The following is an entry in ClinVar:

NM_001127222.2(CACNA1A):c.6937CAG[9] (p.Gln2322_Gln2325del)

Genes: CACNA1A (calcium voltage-gated channel subunit alpha1 A; minus strand), LOC108663985 (calcium voltage-gated channel subunit alpha1 A repeat instability region; plus strand). Cytogenetic location: 19p13.13.
Variant type: Microsatellite.
Coding change: c.6937CAG[9] on transcript NM_001127222.2 (MANE Select); nine copies in a row of the 3-base unit CAG starting at c.6937; the reference has 13 copies in a row; four copies, 12 bases deleted.
Protein change: p.Gln2322_Gln2325del.
Molecular consequence: inframe deletion. On other transcripts: 3 prime UTR variant (3).
Genome position (GRCh38, 1-based): chr19:13,207,859-13,207,870, CTGCTGCTGCTG deleted on the plus strand (CAGCAGCAGCAG on the coding strand, the reverse complement: CACNA1A is on the minus strand); deleting any 12 consecutive bases within chr19:13,207,859-13,207,898 gives the same sequence; the position shown is the placement nearest the transcript's 3' end. VCF-style (leftmost placement, unchanged base first): chr19-13207858-CCTGCTGCTGCTG-C. GRCh37 (hg19) VCF-style: chr19-13318672-CCTGCTGCTGCTG-C.
Other names: c.*149CAG[9] (NM_000068.4, NM_001127221.2, NM_001174080.2); c.6955CAG[9], p.Gln2328_Gln2331del (NM_023035.3); c.6964_6975del12 (NM_001127222.1).
Identifiers: ClinVar variation 1711465 (VCV001711465.31), dbSNP rs16054, ClinGen allele CA783409601.

ClinVar aggregate classification (germline): Likely benign. Review status: criteria provided, multiple submitters, no conflicts (2 of 4 stars). 3 submissions from 3 submitters: Likely benign (2). 1 of the submissions does not count toward it. Last evaluated 2025-07-01.

Conditions:
CACNA1A-related disorder. Also called: CACNA1A-related condition.

Submissions (3):

CeGaT Center for Human Genetics Tuebingen
Classification: Likely benign. Last evaluated: 2025-07-01. Review status: criteria provided, single submitter. Criteria: CeGaT Center For Human Genetics Tuebingen Variant Classification Criteria Version 2. Collection method: clinical testing. Allele origin: germline. Affected: yes. Observed: 10 variant alleles.
Comment: CACNA1A: BS1

Blueprint Genetics
Classification: Likely benign. Last evaluated: 2024-09-16. Review status: criteria provided, single submitter. Criteria: ACMG Guidelines, 2015. Collection method: clinical testing. Allele origin: germline.

PreventionGenetics, part of Exact Sciences
Classification: Likely benign for CACNA1A-related condition. Last evaluated: 2019-06-04. Review status: no assertion criteria provided. Collection method: clinical testing. Allele origin: germline. Not counted in ClinVar's aggregate classification.
Comment: This variant is classified as likely benign based on ACMG/AMP sequence variant interpretation guidelines (Richards et al. 2015 PMID: 25741868, with internal and published modifications).